The following is an entry in ClinVar:

NM_025137.4(SPG11):c.1008-5T>A

Gene: SPG11 (SPG11 vesicle trafficking associated, spatacsin; minus strand). Cytogenetic location: 15q21.1.
Variant type: single nucleotide variant.
Coding change: c.1008-5T>A on transcript NM_025137.4 (MANE Select); 5 bases into the intron before coding-DNA position 1008, T replaced by A.
Molecular consequence: intron variant.
Genome position (GRCh38, 1-based): chr15:44,651,944, A>T on the plus strand (T>A on the coding strand, the complement: SPG11 is on the minus strand). VCF-style: chr15-44651944-A-T. GRCh37 (hg19) VCF-style: chr15-44944142-A-T.
Other names: c.1008-5T>A (NM_001160227.2).
Identifiers: ClinVar variation 1789285 (VCV001789285.3), dbSNP rs759451349, ClinGen allele CA2173732042.

ClinVar aggregate classification (germline): Conflicting classifications of pathogenicity. Review status: criteria provided, conflicting classifications (1 of 4 stars). 2 submissions from 2 submitters: Uncertain significance (1); Likely benign (1). Last evaluated 2025-11-18.

Conditions:
Inborn genetic diseases. Identifiers: MedGen C0950123, MeSH D030342.
Hereditary spastic paraplegia 11. Also called: Spastic paraplegia, mental retardation and thin corpus callosum; SPASTIC PARAPLEGIA, AUTOSOMAL RECESSIVE, COMPLICATED, WITH THIN CORPUS CALLOSUM; SPASTIC PARAPLEGIA, AUTOSOMAL RECESSIVE, WITH MENTAL IMPAIRMENT AND THIN CORPUS CALLOSUM; Spastic Paraplegia 11; Nakamura Osame syndrome; Autosomal recessive hereditary spastic paraplegia, mental impairment, and thin corpus callosum. Identifiers: Orphanet 2822, MedGen C1858479, MONDO:0011445, OMIM 604360.

Allele frequency attached by ClinVar (database versions not stated): TOPMed below 0.00001.
gnomAD v4.1: 1 of 1,608,582 alleles (0.000062%); highest among the groups gnomAD compares: Non-Finnish European, 0.000085%; no homozygotes.

Submissions (2):

Labcorp Genetics (formerly Invitae), Labcorp
Classification: Likely benign for Hereditary spastic paraplegia 11. Last evaluated: 2025-11-18. Review status: criteria provided, single submitter. Criteria: Invitae Variant Classification Sherloc (09022015). Collection method: clinical testing. Allele origin: germline.

Ambry Genetics
Classification: Uncertain significance for Inborn genetic diseases. Last evaluated: 2021-05-14. Review status: criteria provided, single submitter. Criteria: Ambry Variant Classification Scheme 2023. Collection method: clinical testing. Allele origin: germline.
Comment: The c.1008-5T>A intronic variant results from a T to A substitution 5 nucleotides upstream from coding exon 6 in the SPG11 gene. This nucleotide position is well conserved in available vertebrate species. In silico splice site analysis for this alteration is inconclusive. Since supporting evidence is limited at this time, the clinical significance of this alteration remains unclear.